The following is an entry in ClinVar:

NM_000376.3(VDR):c.389G>C (p.Arg130Pro)

Gene: VDR (vitamin D receptor; minus strand). Cytogenetic location: 12q13.11.
Variant type: single nucleotide variant.
Coding change: c.389G>C on transcript NM_000376.3 (MANE Select); coding-DNA position 389, G replaced by C.
Protein change: p.Arg130Pro; replaces arginine 130 with proline.
Molecular consequence: missense variant.
Genome position (GRCh38, 1-based): chr12:47,857,577, C>G on the plus strand (G>C on the coding strand, the complement: VDR is on the minus strand). VCF-style: chr12-47857577-C-G. GRCh37 (hg19) VCF-style: chr12-48251360-C-G.
Other names: c.389G>C, p.Arg130Pro (NM_001017535.2, NM_001364085.2, NM_001374661.1 and 1 more transcripts); c.539G>C, p.Arg180Pro (NM_001017536.2); short protein forms R130P, R180P.
Identifiers: ClinVar variation 2007326 (VCV002007326.4), dbSNP rs371655308, ClinGen allele CA384519391.

ClinVar aggregate classification (germline): Uncertain significance (1 of 4 stars; one submission).

Submission:

Labcorp Genetics (formerly Invitae), Labcorp
Classification: Uncertain significance. Last evaluated: 2023-09-28. Review status: criteria provided, single submitter. Criteria: Invitae Variant Classification Sherloc (09022015). Collection method: clinical testing. Allele origin: germline.
Comment: This sequence change replaces arginine, which is basic and polar, with proline, which is neutral and non-polar, at codon 130 of the VDR protein (p.Arg130Pro). This variant is not present in population databases (gnomAD no frequency). In summary, the available evidence is currently insufficient to determine the role of this variant in disease. Therefore, it has been classified as a Variant of Uncertain Significance. This variant has not been reported in the literature in individuals affected with VDR-related conditions. ClinVar contains an entry for this variant (Variation ID: 2007326). Advanced modeling of protein sequence and biophysical properties (such as structural, functional, and spatial information, amino acid conservation, physicochemical variation, residue mobility, and thermodynamic stability) performed at Invitae indicates that this missense variant is not expected to disrupt VDR protein function.